The following is an entry in ClinVar:

NM_000051.4(ATM):c.4561G>T (p.Val1521Phe)

Gene: ATM (ATM serine/threonine kinase; plus strand). Cytogenetic location: 11q22.3.
Variant type: single nucleotide variant.
Coding change: c.4561G>T on transcript NM_000051.4 (MANE Select); coding-DNA position 4561, G replaced by T.
Protein change: p.Val1521Phe; replaces valine 1521 with phenylalanine.
Molecular consequence: missense variant.
Genome position (GRCh38, 1-based): chr11:108,292,743, G>T. VCF-style: chr11-108292743-G-T. GRCh37 (hg19) VCF-style: chr11-108163470-G-T.
Other names: c.4561G>T, p.Val1521Phe (NM_001351834.2); short protein forms V1521F.
Identifiers: ClinVar variation 3658069 (VCV003658069.2).

ClinVar aggregate classification (germline): Uncertain significance (1 of 4 stars; one submission).

Conditions:
Ataxia-telangiectasia syndrome (AT). Also called: LOUIS-BAR SYNDROME; Cerebello-oculocutaneous telangiectasia; Immunodeficiency with ataxia telangiectasia; ATAXIA-TELANGIECTASIA, COMPLEMENTATION GROUP A; ATAXIA-TELANGIECTASIA, FRESNO VARIANT; Ataxia-telangiectasia, complementation group D. Identifiers: Orphanet 100, MedGen C0004135, MONDO:0008840, OMIM 208900.

gnomAD v4.1: 1 of 1,613,994 alleles (0.000062%); highest among the groups gnomAD compares: South Asian, 0.0011%; no homozygotes.

Submission:

Labcorp Genetics (formerly Invitae), Labcorp
Classification: Uncertain significance for Ataxia-telangiectasia syndrome. Last evaluated: 2024-06-28. Review status: criteria provided, single submitter. Criteria: Invitae Variant Classification Sherloc (09022015). Collection method: clinical testing. Allele origin: germline.
Comment: This sequence change replaces valine, which is neutral and non-polar, with phenylalanine, which is neutral and non-polar, at codon 1521 of the ATM protein (p.Val1521Phe). This variant is not present in population databases (gnomAD no frequency). This variant has not been reported in the literature in individuals affected with ATM-related conditions. An algorithm developed to predict the effect of missense changes on protein structure and function (PolyPhen-2) suggests that this variant is likely to be disruptive. In summary, the available evidence is currently insufficient to determine the role of this variant in disease. Therefore, it has been classified as a Variant of Uncertain Significance.